The following is an entry in ClinVar:

ClinVar aggregate classification (germline): Uncertain significance (1 of 4 stars; one submission).

Submission:

Labcorp Genetics (formerly Invitae), Labcorp
Classification: Uncertain significance. Last evaluated: 2022-05-05. Review status: criteria provided, single submitter. Criteria: Invitae Variant Classification Sherloc (09022015). Collection method: clinical testing. Allele origin: germline.
Comment: This variant results in a copy number gain of the genomic region encompassing exon(s) 3-11 of the PGK1 gene. This region includes the termination codon of the gene. This copy number gain extends beyond the assayed region for this gene and therefore may encompass additional genes. As the precise location of this event is unknown, it may be in tandem or it may be located elsewhere in the genome. This variant has not been reported in the literature in individuals affected with PGK1-related conditions. Experimental studies and prediction algorithms are not available or were not evaluated, and the functional significance of this variant is currently unknown. In summary, the available evidence is currently insufficient to determine the role of this variant in disease. Therefore, it has been classified as a Variant of Uncertain Significance.

NC_000023.10:g.(?_77369221)_(77381327_?)dup

Gene: PGK1 (phosphoglycerate kinase 1; plus strand). Cytogenetic location: Xq21.1.
Variant type: Duplication.
Identifiers: ClinVar variation 2422822 (VCV002422822.4).